The following is an entry in ClinVar:

NM_001364905.1(LRBA):c.5962G>A (p.Asp1988Asn)

Gene: LRBA (LPS responsive beige-like anchor protein; minus strand). Cytogenetic location: 4q31.3.
Variant type: single nucleotide variant.
Coding change: c.5962G>A on transcript NM_001364905.1 (MANE Select); coding-DNA position 5962, G replaced by A.
Protein change: p.Asp1988Asn; replaces aspartic acid 1988 with asparagine.
Molecular consequence: missense variant.
Genome position (GRCh38, 1-based): chr4:150,599,091, C>T on the plus strand (G>A on the coding strand, the complement: LRBA is on the minus strand). VCF-style: chr4-150599091-C-T. GRCh37 (hg19) VCF-style: chr4-151520243-C-T.
Other names: c.5962G>A, p.Asp1988Asn (NM_001199282.3, NM_001367550.1, NM_006726.5); short protein forms D1988N.
Identifiers: ClinVar variation 639977 (VCV000639977.9), dbSNP rs372448263, ClinGen allele CA3102290.

ClinVar aggregate classification (germline): Uncertain significance. Review status: criteria provided, multiple submitters, no conflicts (2 of 4 stars). 2 submissions from 2 submitters: Uncertain significance (2). Last evaluated 2023-09-12.

Conditions:
Combined immunodeficiency due to LRBA deficiency. Also called: Common variable immunodeficiency 8, with autoimmunity. Identifiers: Orphanet 445018, MedGen C3553512, MONDO:0013863, OMIM 614700.
Inborn genetic diseases. Identifiers: MedGen C0950123, MeSH D030342.

Allele frequency attached by ClinVar (database versions not stated): ExAC 0.00005; gnomAD exomes 0.00005 and 0.00009; gnomAD 0.00006; ESP Exome Variant Server 0.00008; TOPMed 0.00008.
gnomAD v4.1: 82 of 1,613,974 alleles (0.0051%); highest among the groups gnomAD compares: Non-Finnish European, 0.0018%; no homozygotes.

Submissions (2):

Ambry Genetics
Classification: Uncertain significance for Inborn genetic diseases. Last evaluated: 2023-09-12. Review status: criteria provided, single submitter. Criteria: Ambry Variant Classification Scheme 2023. Collection method: clinical testing. Allele origin: germline.

Labcorp Genetics (formerly Invitae), Labcorp
Classification: Uncertain significance for Combined immunodeficiency due to LRBA deficiency. Last evaluated: 2022-06-23. Review status: criteria provided, single submitter. Criteria: Invitae Variant Classification Sherloc (09022015). Collection method: clinical testing. Allele origin: germline.
Comment: This sequence change replaces aspartic acid, which is acidic and polar, with asparagine, which is neutral and polar, at codon 1988 of the LRBA protein (p.Asp1988Asn). This variant is present in population databases (rs372448263, gnomAD 0.2%). This variant has not been reported in the literature in individuals affected with LRBA-related conditions. ClinVar contains an entry for this variant (Variation ID: 639977). Algorithms developed to predict the effect of missense changes on protein structure and function are either unavailable or do not agree on the potential impact of this missense change (SIFT: "Tolerated"; PolyPhen-2: "Probably Damaging"; Align-GVGD: "Class C0"). In summary, the available evidence is currently insufficient to determine the role of this variant in disease. Therefore, it has been classified as a Variant of Uncertain Significance.